The following is an entry in ClinVar:

NM_002693.3(POLG):c.327G>T (p.Lys109Asn)

Genes: POLG (DNA polymerase gamma, catalytic subunit; minus strand), POLGARF (POLG alternative reading frame; minus strand). Cytogenetic location: 15q26.1.
Variant type: single nucleotide variant.
Coding change: c.327G>T on transcript NM_002693.3 (MANE Select); coding-DNA position 327, G replaced by T.
Protein change: p.Lys109Asn; replaces lysine 109 with asparagine.
Molecular consequence: missense variant.
Genome position (GRCh38, 1-based): chr15:89,333,428, C>A on the plus strand (G>T on the coding strand, the complement: POLG is on the minus strand). VCF-style: chr15-89333428-C-A. GRCh37 (hg19) VCF-style: chr15-89876659-C-A.
Other names: p.Lys109Asn; c.327G>T, p.Lys109Asn (NM_001126131.2); c.327G>T (NM_002693.2); short protein forms K109N.
Identifiers: ClinVar variation 1446460 (VCV001446460.8), dbSNP rs2055622519, ClinGen allele CA393772677.

ClinVar aggregate classification (germline): Uncertain significance. Review status: criteria provided, multiple submitters, no conflicts (2 of 4 stars). 4 submissions from 4 submitters: Uncertain significance (4). Last evaluated 2025-12-30.

Conditions:
Inborn genetic diseases. Identifiers: MedGen C0950123, MeSH D030342.
Progressive sclerosing poliodystrophy (MTDPS4A). Also called: ALPERS PROGRESSIVE INFANTILE POLIODYSTROPHY; NEURONAL DEGENERATION OF CHILDHOOD WITH LIVER DISEASE, PROGRESSIVE; Alpers Syndrome; ALPERS DIFFUSE DEGENERATION OF CEREBRAL GRAY MATTER WITH HEPATIC CIRRHOSIS; Alpers-Huttenlocher Syndrome; Mitochondrial DNA depletion syndrome 4A (Alpers type). Identifiers: Orphanet 726, MedGen C0205710, MONDO:0008758, OMIM 203700.

Allele frequency attached by ClinVar (database versions not stated): TOPMed below 0.00001.

Submissions (4):

Women's Health and Genetics/Laboratory Corporation of America, LabCorp
Classification: Uncertain significance. Last evaluated: 2025-12-30. Review status: criteria provided, single submitter. Criteria: LabCorp Variant Classification Summary - May 2015. Collection method: clinical testing. Allele origin: germline.
Comment: Variant summary: POLG c.327G>T (p.Lys109Asn) results in a non-conservative amino acid change in the encoded protein sequence. Algorithms developed to predict the effect of missense changes on protein structure and function are either unavailable or do not agree on the potential impact of this missense change. The variant was absent in 238934 control chromosomes. The available data on variant occurrences in the general population are insufficient to allow any conclusion about variant significance. To our knowledge, no occurrence of c.327G>T in individuals affected with POLG-related conditions and no experimental evidence demonstrating its impact on protein function have been reported. ClinVar contains an entry for this variant (Variation ID: 1446460). Based on the evidence outlined above, the variant was classified as uncertain significance.

Ambry Genetics
Classification: Uncertain significance for Inborn genetic diseases. Last evaluated: 2025-12-04. Review status: criteria provided, single submitter. Criteria: Ambry Variant Classification Scheme 2023. Collection method: clinical testing. Allele origin: germline.

Mayo Clinic Laboratories, Mayo Clinic
Classification: Uncertain significance. Last evaluated: 2023-07-13. Review status: criteria provided, single submitter. Criteria: ACMG Guidelines, 2015. Collection method: clinical testing. Allele origin: germline. Observed: 1 variant allele.
Comment: BP4, PM2_moderate

Labcorp Genetics (formerly Invitae), Labcorp
Classification: Uncertain significance for Progressive sclerosing poliodystrophy. Last evaluated: 2021-08-27. Review status: criteria provided, single submitter. Criteria: Invitae Variant Classification Sherloc (09022015). Collection method: clinical testing. Allele origin: germline.
Comment: This sequence change replaces lysine with asparagine at codon 109 of the POLG protein (p.Lys109Asn). The lysine residue is weakly conserved and there is a moderate physicochemical difference between lysine and asparagine. This variant is not present in population databases (ExAC no frequency). This variant has not been reported in the literature in individuals affected with POLG-related conditions. Algorithms developed to predict the effect of missense changes on protein structure and function (SIFT, PolyPhen-2, Align-GVGD) all suggest that this variant is likely to be tolerated. In summary, the available evidence is currently insufficient to determine the role of this variant in disease. Therefore, it has been classified as a Variant of Uncertain Significance.